The following is an entry in ClinVar:

ClinVar aggregate classification (germline): Pathogenic. Review status: criteria provided, multiple submitters, no conflicts (2 of 4 stars). 2 submissions from 2 submitters: Pathogenic (2). Last evaluated 2026-01-15.

Conditions:
Global developmental delay (DD). Also called: Cognitive delay. Identifiers: MedGen C0557874, HP:0001263. Disease mechanism: loss of function.
Mild intellectual disability. Identifiers: MedGen C0026106, HP:0001256.
Autistic behavior. Identifiers: MedGen C0856975, HP:0000729.
Seizure. Also called: Seizures. Identifiers: MedGen C0036572, HP:0001250.

Submissions (2):

Labcorp Genetics (formerly Invitae), Labcorp
Classification: Pathogenic. Last evaluated: 2026-01-15. Review status: criteria provided, single submitter. Criteria: Invitae Variant Classification Sherloc (09022015). Collection method: clinical testing. Allele origin: germline.
Comment: This sequence change replaces glycine, which is neutral and non-polar, with serine, which is neutral and polar, at codon 362 of the KCNN2 protein (p.Gly362Ser). This variant is not present in population databases (gnomAD no frequency). This missense change has been observed in individual(s) with clinical features of KCNN2-related neurodevelopmental movement disorder (PMID: 33242881; internal data). In at least one individual the variant was observed to be de novo. ClinVar contains an entry for this variant (Variation ID: 933146). An algorithm developed to predict the effect of missense changes on protein structure and function (PolyPhen-2) suggests that this variant is likely to be disruptive. For these reasons, this variant has been classified as Pathogenic.

Institute for Human Genetics, University Hospital Essen
Classification: Pathogenic for Global developmental delay; Mild intellectual disability; Autistic behavior; Seizure. Last evaluated: 2020-07-01. Review status: criteria provided, single submitter. Criteria: ACMG Guidelines, 2015. Collection method: clinical testing. Allele origin: de novo. Affected: yes. Observed: 1 variant allele, 1 heterozygote.

Literature cited by the submitters: PubMed 33242881 (cited by Labcorp Genetics (formerly Invitae), Labcorp).

NM_021614.4(KCNN2):c.1720G>A (p.Gly574Ser)

Genes: KCNN2 (potassium calcium-activated channel subfamily N member 2; plus strand), KCNN2-AS1 (KCNN2 antisense RNA 1; minus strand). Cytogenetic location: 5q22.3.
Variant type: single nucleotide variant.
Coding change: c.1720G>A on transcript NM_021614.4 (MANE Select); coding-DNA position 1720, G replaced by A.
Protein change: p.Gly574Ser; replaces glycine 574 with serine.
Molecular consequence: missense variant. On other transcripts: non-coding transcript variant (1).
Genome position (GRCh38, 1-based): chr5:114,463,131, G>A. VCF-style: chr5-114463131-G-A. GRCh37 (hg19) VCF-style: chr5-113798828-G-A.
Other names: c.1918G>A, p.Gly640Ser (NM_001372233.1); c.40G>A, p.Gly14Ser (NM_170775.3); short protein forms G640S, G14S, G574S.
Identifiers: ClinVar variation 933146 (VCV000933146.9), dbSNP rs1761282724, ClinGen allele CA360704445.
Genomic context (GRCh38, chr5:114,463,131, plus strand): 5'-ACTAGCAACTTCCTTGGAGCGATGTGGTTGATATCAATAACTTTTCTCTCCATTGGTTAT[G>A]GTGACATGGTACCTAACACATACTGTGGAAAAGGAGTCTGCTTACTTACTGGAATTATGG-3'
Protein context (NP_067627.3, residues 564-584): ISITFLSIGY[Gly574Ser]DMVPNTYCGK